The following is an entry in ClinVar:

ClinVar aggregate classification (germline): Likely benign (1 of 4 stars; one submission).

Submission:

GeneDx
Classification: Likely benign. Last evaluated: 2017-11-09. Review status: criteria provided, single submitter. Criteria: GeneDx Variant Classification (06012015). Collection method: clinical testing. Allele origin: germline. Affected: yes.
Comment: This variant is considered likely benign or benign based on one or more of the following criteria: it is a conservative change, it occurs at a poorly conserved position in the protein, it is predicted to be benign by multiple in silico algorithms, and/or has population frequency not consistent with disease.

NM_002241.5(KCNJ10):c.117G>C (p.Val39=)

Gene: KCNJ10 (potassium inwardly rectifying channel subfamily J member 10; minus strand). Cytogenetic location: 1q23.2.
Variant type: single nucleotide variant.
Coding change: c.117G>C on transcript NM_002241.5 (MANE Select); coding-DNA position 117, G replaced by C.
Protein change: p.Val39=; no amino-acid change (valine 39 retained).
Molecular consequence: synonymous variant.
Genome position (GRCh38, 1-based): chr1:160,042,416, C>G on the plus strand (G>C on the coding strand, the complement: KCNJ10 is on the minus strand). VCF-style: chr1-160042416-C-G. GRCh37 (hg19) VCF-style: chr1-160012206-C-G.
Identifiers: ClinVar variation 513297 (VCV000513297.1), dbSNP rs898999212, ClinGen allele CA421597792.